The following is an entry in ClinVar:

ClinVar aggregate classification (germline): Uncertain significance. Review status: criteria provided, multiple submitters, no conflicts (2 of 4 stars). 2 submissions from 2 submitters: Uncertain significance (2). Last evaluated 2022-12-01.

Allele frequency attached by ClinVar (database versions not stated): gnomAD 0.00003; ExAC 0.00004; TOPMed 0.00004; gnomAD exomes 0.00005; ESP Exome Variant Server 0.00008.
gnomAD v4.1: 81 of 1,608,698 alleles (0.005%); highest among the groups gnomAD compares: East Asian, 0.045%; no homozygotes.

Submissions (2):

Ambry Genetics
Classification: Uncertain significance. Last evaluated: 2022-12-01. Review status: criteria provided, single submitter. Criteria: Ambry Variant Classification Scheme 2023. Collection method: clinical testing. Allele origin: germline.

Labcorp Genetics (formerly Invitae), Labcorp
Classification: Uncertain significance. Last evaluated: 2022-02-13. Review status: criteria provided, single submitter. Criteria: Invitae Variant Classification Sherloc (09022015). Collection method: clinical testing. Allele origin: germline.
Comment: This variant is present in population databases (rs374983614, gnomAD 0.04%). In summary, the available evidence is currently insufficient to determine the role of this variant in disease. Therefore, it has been classified as a Variant of Uncertain Significance. Algorithms developed to predict the effect of sequence changes on RNA splicing suggest that this variant may create or strengthen a splice site. Algorithms developed to predict the effect of missense changes on protein structure and function are either unavailable or do not agree on the potential impact of this missense change (SIFT: "Deleterious"; PolyPhen-2: "Benign"; Align-GVGD: "Class C0"). This variant has not been reported in the literature in individuals affected with ATRN-related conditions. This sequence change replaces isoleucine, which is neutral and non-polar, with valine, which is neutral and non-polar, at codon 194 of the ATRN protein (p.Ile194Val).

NM_139321.3(ATRN):c.580A>G (p.Ile194Val)

Gene: ATRN (attractin; plus strand). Cytogenetic location: 20p13.
Variant type: single nucleotide variant.
Coding change: c.580A>G on transcript NM_139321.3 (MANE Select); coding-DNA position 580, A replaced by G.
Protein change: p.Ile194Val; replaces isoleucine 194 with valine.
Molecular consequence: missense variant.
Genome position (GRCh38, 1-based): chr20:3,540,307, A>G. VCF-style: chr20-3540307-A-G. GRCh37 (hg19) VCF-style: chr20-3520954-A-G.
Other names: c.232A>G, p.Ile78Val (NM_001207047.3); c.580A>G, p.Ile194Val (NM_001323332.2, NM_139322.4); c.580A>G (NM_139321.2); short protein forms I78V, I194V.
Identifiers: ClinVar variation 2200007 (VCV002200007.5), dbSNP rs374983614, ClinGen allele CA9743829.